The following is an entry in ClinVar:

NM_001958.5(EEF1A2):c.106A>G (p.Lys36Glu)

Gene: EEF1A2 (eukaryotic translation elongation factor 1 alpha 2; minus strand). Cytogenetic location: 20q13.33.
Variant type: single nucleotide variant.
Coding change: c.106A>G on transcript NM_001958.5 (MANE Select); coding-DNA position 106, A replaced by G.
Protein change: p.Lys36Glu; replaces lysine 36 with glutamic acid.
Molecular consequence: missense variant.
Genome position (GRCh38, 1-based): chr20:63,497,658, T>C on the plus strand (A>G on the coding strand, the complement: EEF1A2 is on the minus strand). VCF-style: chr20-63497658-T-C. GRCh37 (hg19) VCF-style: chr20-62129011-T-C.
Other names: short protein forms K36E.
Identifiers: ClinVar variation 4803164 (VCV004803164.1).
Genomic context (GRCh38, chr20:63,497,658, plus strand): 5'-GACCATAGCCTGGGGAGCTCACCTCAGCCGCCTCCTTCTCGAACTTCTCAATGGTCCTTT[T>C]GTCAATACCTCCGCATTTGTAGATGAGGTGGCCCGTGGTGGTGGACTTTCCGGAGTCCAC-3'
Protein context (NP_001949.1, residues 26-46): HLIYKCGGID[Lys36Glu]RTIEKFEKEA

ClinVar aggregate classification (germline): Uncertain significance (1 of 4 stars; one submission).

Conditions:
Developmental and epileptic encephalopathy, 33 (DEE33). Also called: Epileptic encephalopathy, early infantile, 33. Identifiers: Orphanet 442835, MedGen C4225337, MONDO:0014625, OMIM 616409.

Submission:

Labcorp Genetics (formerly Invitae), Labcorp
Classification: Uncertain significance for Developmental and epileptic encephalopathy, 33. Last evaluated: 2025-03-31. Review status: criteria provided, single submitter. Criteria: Invitae Variant Classification Sherloc (09022015). Collection method: clinical testing. Allele origin: germline.
Comment: This sequence change replaces lysine, which is basic and polar, with glutamic acid, which is acidic and polar, at codon 36 of the EEF1A2 protein (p.Lys36Glu). This variant is not present in population databases (gnomAD no frequency). This variant has not been reported in the literature in individuals affected with EEF1A2-related conditions. Invitae Evidence Modeling of protein sequence and biophysical properties (such as structural, functional, and spatial information, amino acid conservation, physicochemical variation, residue mobility, and thermodynamic stability) indicates that this missense variant is expected to disrupt EEF1A2 protein function with a positive predictive value of 95%. In summary, the available evidence is currently insufficient to determine the role of this variant in disease. Therefore, it has been classified as a Variant of Uncertain Significance.